The following is an entry in ClinVar:

NM_032999.4(GTF2I):c.1683AGA[1] (p.Glu562del)

Genes: GTF2I (general transcription factor IIi; plus strand), LOC106029312 (Williams-Beuren syndrome medial block B recombination region; plus strand). Cytogenetic location: 7q11.23.
Variant type: Microsatellite.
Coding change: c.1683AGA[1] on transcript NM_032999.4 (MANE Select); one copy of the 3-base unit AGA starting at c.1683; the reference has two copies in a row; one copy, 3 bases deleted.
Protein change: p.Glu562del; deletes glutamic acid 562.
Genome position (GRCh38, 1-based): chr7:74,743,456-74,743,458, AGA deleted; deleting any 3 consecutive bases within chr7:74,743,452-74,743,458 gives the same sequence; the position shown is the placement nearest the transcript's 3' end. VCF-style (leftmost placement, unchanged base first): chr7-74743451-AAAG-A. GRCh37 (hg19) VCF-style: chr7-74157790-AAAG-A.
Other names: c.1617AGA[1], p.Glu540del (NM_001163636.3); c.1560AGA[1], p.Glu521del (NM_001518.5); c.1623AGA[1], p.Glu542del (NM_033000.4); c.1620AGA[1], p.Glu541del (NM_033001.4); short protein forms E521del, E540del, E541del, E542del, E562del.
Identifiers: ClinVar variation 5040682 (VCV005040682.1).

ClinVar aggregate classification (germline): Uncertain significance (1 of 4 stars; one submission).

Submission:

CeGaT Center for Human Genetics Tuebingen
Classification: Uncertain significance. Last evaluated: 2026-09-01. Review status: criteria provided, single submitter. Criteria: CeGaT Center For Human Genetics Tuebingen Variant Classification Criteria Version 2. Collection method: clinical testing. Allele origin: germline. Affected: yes. Observed: 1 variant allele.
Comment: GTF2I: PM2, PM4:Supporting